The following is an entry in ClinVar:

ClinVar aggregate classification (germline): Uncertain significance (1 of 4 stars; one submission).

Conditions:
Congenital myasthenic syndrome 17. Identifiers: Orphanet 590, MedGen C4225377, MONDO:0014578, OMIM 616304.
Sclerosteosis 2 (SOST2). Identifiers: Orphanet 3152, MedGen C3280402, MONDO:0013679, OMIM 614305.
Cenani-Lenz syndactyly syndrome. Also called: CENANI SYNDACTYLISM; SYNDACTYLY, TYPE VII. Identifiers: Orphanet 3258, MedGen C1859309, MONDO:0008931, OMIM 212780.

Allele frequency attached by ClinVar (database versions not stated): gnomAD 0.00001; TOPMed 0.00001.

Submission:

Labcorp Genetics (formerly Invitae), Labcorp
Classification: Uncertain significance for Cenani-Lenz syndactyly syndrome; Sclerosteosis 2; Congenital myasthenic syndrome 17. Last evaluated: 2022-09-01. Review status: criteria provided, single submitter. Criteria: Invitae Variant Classification Sherloc (09022015). Collection method: clinical testing. Allele origin: germline.
Comment: In summary, the available evidence is currently insufficient to determine the role of this variant in disease. Therefore, it has been classified as a Variant of Uncertain Significance. Algorithms developed to predict the effect of missense changes on protein structure and function output the following: SIFT: "Deleterious"; PolyPhen-2: "Benign"; Align-GVGD: "Class C0". The asparagine amino acid residue is found in multiple mammalian species, which suggests that this missense change does not adversely affect protein function. ClinVar contains an entry for this variant (Variation ID: 645722). This variant has not been reported in the literature in individuals affected with LRP4-related conditions. This variant is present in population databases (no rsID available, gnomAD 0.06%). This sequence change replaces aspartic acid, which is acidic and polar, with asparagine, which is neutral and polar, at codon 1701 of the LRP4 protein (p.Asp1701Asn).

NM_002334.4(LRP4):c.5101G>A (p.Asp1701Asn)

Genes: LRP4 (LDL receptor related protein 4; minus strand), LRP4-AS1 (LRP4 antisense RNA 1; plus strand). Cytogenetic location: 11p11.2.
Variant type: single nucleotide variant.
Coding change: c.5101G>A on transcript NM_002334.4 (MANE Select); coding-DNA position 5101, G replaced by A.
Protein change: p.Asp1701Asn; replaces aspartic acid 1701 with asparagine.
Molecular consequence: missense variant.
Genome position (GRCh38, 1-based): chr11:46,865,173, C>T on the plus strand (G>A on the coding strand, the complement: LRP4 is on the minus strand). VCF-style: chr11-46865173-C-T. GRCh37 (hg19) VCF-style: chr11-46886724-C-T.
Other names: short protein forms D1701N.
Identifiers: ClinVar variation 645722 (VCV000645722.8), dbSNP rs1241649761, ClinGen allele CA380261946.
Genomic context (GRCh38, chr11:46,865,173, plus strand): 5'-GCTTACCTGGAGCAGCAGGAACAGCGTCATTGGAACGTGCACAGAGGCCCAGCCTGGCAT[C>T]CCTTTCAGAGCATCTGTGGGGCACAGAAAACTGGATGTGAAGCCTACTCATACTCAGTGA-3'
Protein context (NP_002325.2, residues 1691-1711): EEVEGRCSER[Asp1701Asn]ARLGLCARSN